The following is an entry in ClinVar:

ClinVar aggregate classification (germline): Uncertain significance (1 of 4 stars; one submission).

Conditions:
Osteogenesis imperfecta type I (OI1). Also called: OI, TYPE I; OSTEOGENESIS IMPERFECTA TARDA; OSTEOGENESIS IMPERFECTA WITH BLUE SCLERAE; Osteogenesis imperfecta type 1; Lobstein's Disease; Lobstein disease. Identifiers: Orphanet 216796, Orphanet 666, MedGen C0023931, MONDO:0008146, OMIM 166200. Disease mechanism: loss of function.

Submission:

Labcorp Genetics (formerly Invitae), Labcorp
Classification: Uncertain significance for Osteogenesis imperfecta type I. Last evaluated: 2024-02-11. Review status: criteria provided, single submitter. Criteria: Invitae Variant Classification Sherloc (09022015). Collection method: clinical testing. Allele origin: germline.
Comment: This sequence change replaces arginine, which is basic and polar, with cysteine, which is neutral and slightly polar, at codon 187 of the COL1A1 protein (p.Arg187Cys). This variant is not present in population databases (gnomAD no frequency). This variant has not been reported in the literature in individuals affected with COL1A1-related conditions. Advanced modeling of protein sequence and biophysical properties (such as structural, functional, and spatial information, amino acid conservation, physicochemical variation, residue mobility, and thermodynamic stability) performed at Invitae indicates that this missense variant is expected to disrupt COL1A1 protein function with a positive predictive value of 95%. In summary, the available evidence is currently insufficient to determine the role of this variant in disease. Therefore, it has been classified as a Variant of Uncertain Significance.

NM_000088.4(COL1A1):c.559C>T (p.Arg187Cys)

Gene: COL1A1 (collagen type I alpha 1 chain; minus strand). Cytogenetic location: 17q21.33.
Variant type: single nucleotide variant.
Coding change: c.559C>T on transcript NM_000088.4 (MANE Select); coding-DNA position 559, C replaced by T.
Protein change: p.Arg187Cys; replaces arginine 187 with cysteine.
Molecular consequence: missense variant.
Genome position (GRCh38, 1-based): chr17:50,198,190, G>A on the plus strand (C>T on the coding strand, the complement: COL1A1 is on the minus strand). VCF-style: chr17-50198190-G-A. GRCh37 (hg19) VCF-style: chr17-48275551-G-A.
Other names: short protein forms R187C.
Identifiers: ClinVar variation 3718082 (VCV003718082.2).